The following is an entry in ClinVar:

ClinVar aggregate classification (germline): Uncertain significance (1 of 4 stars; one submission).

Submission:

Labcorp Genetics (formerly Invitae), Labcorp
Classification: Uncertain significance. Last evaluated: 2021-09-02. Review status: criteria provided, single submitter. Criteria: Invitae Variant Classification Sherloc (09022015). Collection method: clinical testing. Allele origin: germline.
Comment: Experimental studies and prediction algorithms are not available or were not evaluated, and the functional significance of this variant is currently unknown. In summary, the available evidence is currently insufficient to determine the role of this variant in disease. Therefore, it has been classified as a Variant of Uncertain Significance. This variant has not been reported in the literature in individuals affected with HACD1-related conditions. The frequency data for this variant in the population databases is not available, as this variant may be reported as separate entries in the ExAC database. This sequence change replaces histidine with tyrosine at codon 227 of the HACD1 protein (p.His227Tyr). The histidine residue is weakly conserved and there is a moderate physicochemical difference between histidine and tyrosine.

NM_014241.4(HACD1):c.678_679delinsAT (p.His227Tyr)

Gene: HACD1 (3-hydroxyacyl-CoA dehydratase 1; minus strand). Cytogenetic location: 10p12.33.
Variant type: Indel.
Coding change: c.678_679delinsAT on transcript NM_014241.4 (MANE Select); coding-DNA positions 678 to 679, GC replaced by AT.
Protein change: p.His227Tyr; replaces histidine 227 with tyrosine.
Molecular consequence: missense variant.
Genome position (GRCh38, 1-based): chr10:17,594,310-17,594,311, GC replaced by AT on the plus strand (GC replaced by AT on the coding strand, the reverse complement: HACD1 is on the minus strand). VCF-style: chr10-17594310-GC-AT. GRCh37 (hg19) VCF-style: chr10-17636309-GC-AT.
Other names: short protein forms H227Y.
Identifiers: ClinVar variation 1357841 (VCV001357841.6), dbSNP rs2131503565, ClinGen allele CA2573145002.